The following is an entry in ClinVar:

NM_000433.4(NCF2):c.859G>C (p.Gly287Arg)

Gene: NCF2 (neutrophil cytosolic factor 2; minus strand). Cytogenetic location: 1q25.3.
Variant type: single nucleotide variant.
Coding change: c.859G>C on transcript NM_000433.4 (MANE Select); coding-DNA position 859, G replaced by C.
Protein change: p.Gly287Arg; replaces glycine 287 with arginine.
Molecular consequence: missense variant.
Genome position (GRCh38, 1-based): chr1:183,566,985, C>G on the plus strand (G>C on the coding strand, the complement: NCF2 is on the minus strand). VCF-style: chr1-183566985-C-G. GRCh37 (hg19) VCF-style: chr1-183536120-C-G.
Other names: c.859G>C, p.Gly287Arg (NM_001127651.3); c.616G>C, p.Gly206Arg (NM_001190789.2); c.724G>C, p.Gly242Arg (NM_001190794.2); short protein forms G206R, G287R, G242R.
Identifiers: ClinVar variation 1389134 (VCV001389134.6), dbSNP rs1178747743, ClinGen allele CA343671930.

ClinVar aggregate classification (germline): Uncertain significance (1 of 4 stars; one submission).

Conditions:
Granulomatous disease, chronic, autosomal recessive, cytochrome b-positive, type 2. Also called: Chronic Granulomatous Disease, Autosomal Recessive, Cytochrome b-Positive, Type II; CGD, AUTOSOMAL RECESSIVE CYTOCHROME b-POSITIVE, TYPE II; GRANULOMATOUS DISEASE, CHRONIC, DUE TO NCF2 DEFICIENCY; GRANULOMATOUS DISEASE, CHRONIC, AUTOSOMAL RECESSIVE, 2; Chronic granulomatous disease due to deficiency of NCF-2. Identifiers: Orphanet 379, MedGen C1856245, MONDO:0009310, OMIM 233710.

Submission:

Labcorp Genetics (formerly Invitae), Labcorp
Classification: Uncertain significance for Granulomatous disease, chronic, autosomal recessive, cytochrome b-positive, type 2. Last evaluated: 2021-10-24. Review status: criteria provided, single submitter. Criteria: Invitae Variant Classification Sherloc (09022015). Collection method: clinical testing. Allele origin: germline.
Comment: In summary, the available evidence is currently insufficient to determine the role of this variant in disease. Therefore, it has been classified as a Variant of Uncertain Significance. Algorithms developed to predict the effect of missense changes on protein structure and function (SIFT, PolyPhen-2, Align-GVGD) all suggest that this variant is likely to be disruptive. This variant has not been reported in the literature in individuals affected with NCF2-related conditions. This variant is not present in population databases (ExAC no frequency). This sequence change replaces glycine with arginine at codon 287 of the NCF2 protein (p.Gly287Arg). The glycine residue is highly conserved and there is a moderate physicochemical difference between glycine and arginine.